The following is an entry in ClinVar:

NM_001039469.3(MARK2):c.433G>A (p.Gly145Ser)

Gene: MARK2 (microtubule affinity regulating kinase 2; plus strand). Cytogenetic location: 11q13.1.
Variant type: single nucleotide variant.
Coding change: c.433G>A on transcript NM_001039469.3 (MANE Select); coding-DNA position 433, G replaced by A.
Protein change: p.Gly145Ser; replaces glycine 145 with serine.
Molecular consequence: missense variant.
Genome position (GRCh38, 1-based): chr11:63,898,792, G>A. VCF-style: chr11-63898792-G-A. GRCh37 (hg19) VCF-style: chr11-63666264-G-A.
Other names: c.433G>A, p.Gly145Ser (NM_001163296.2, NM_001163297.2, NM_004954.5); c.334G>A, p.Gly112Ser (NM_017490.4); short protein forms G112S, G145S.
Identifiers: ClinVar variation 3378113 (VCV003378113.1).

ClinVar aggregate classification (germline): Uncertain significance (1 of 4 stars; one submission).

Submission:

GeneDx
Classification: Uncertain significance. Last evaluated: 2024-04-08. Review status: criteria provided, single submitter. Criteria: GeneDx Variant Classification Process June 2021. Collection method: clinical testing. Allele origin: germline. Affected: yes.
Comment: Not observed at significant frequency in large population cohorts (gnomAD); In silico analysis supports that this missense variant has a deleterious effect on protein structure/function; Has not been previously published as pathogenic or benign to our knowledge; Variants in candidate genes are classified as variants of uncertain significance in accordance with ACMG guidelines (PMID: 25741868)